The following is an entry in ClinVar:

ClinVar aggregate classification (germline): Benign. Review status: criteria provided, multiple submitters, no conflicts (2 of 4 stars). 9 submissions from 9 submitters: Benign (8). 1 of the submissions does not count toward it. Last evaluated 2026-02-03.

Conditions:
Charcot-Marie-Tooth disease type 2. Also called: Charcot-Marie-Tooth type 2. Identifiers: Orphanet 64746, MedGen C0270914, MONDO:0018993.
Charcot-Marie-Tooth disease. Also called: Charcot-Marie-Tooth Neuropathy; Charcot-Marie-Tooth Hereditary Neuropathy. Identifiers: Orphanet 166, MedGen C0007959, MONDO:0015626.
KIF1B-related disorder. Also called: KIF1B-related condition.
Neuroblastoma (NB). Identifiers: Orphanet 635, MedGen C0027819, MeSH D009447, MONDO:0005072, HP:0003006.

Allele frequency attached by ClinVar (database versions not stated): 1000 Genomes Project 0.01757; gnomAD exomes 0.00502; ExAC 0.00591; ESP Exome Variant Server 0.01738; gnomAD 0.01659 and 0.01751; TOPMed 0.01871; 1000 Genomes Project 30x 0.01936.
gnomAD v4.1: 5,919 of 1,612,624 alleles (0.37%); highest among the groups gnomAD compares: African/African-American, 5.8%; 127 homozygotes.

Submissions (9):

Labcorp Genetics (formerly Invitae), Labcorp
Classification: Benign for Charcot-Marie-Tooth disease type 2. Last evaluated: 2026-02-03. Review status: criteria provided, single submitter. Criteria: Invitae Variant Classification Sherloc (09022015). Collection method: clinical testing. Allele origin: germline.

Dasa
Classification: Benign. Last evaluated: 2025-12-19. Review status: criteria provided, single submitter. Criteria: DASA Assertion Criteria. Collection method: clinical testing. Allele origin: germline.
Comment: NM_001365951.3(KIF1B):c.363+6A>C is interpreted as benign based on a combination of available evidence, which may include population frequency, observations in unaffected individuals, intact protein function, lack of segregation with disease, in silico models, amino acid conservation, lack of disease association in case-control studies, and/or inconsistency with the known disease mechanism or impacted region. Based on the available data, this variant is classified as benign.

ARUP Laboratories, Molecular Genetics and Genomics, ARUP Laboratories
Classification: Benign. Last evaluated: 2023-11-29. Review status: criteria provided, single submitter. Criteria: ARUP Molecular Germline Variant Investigation Process 2024. Collection method: clinical testing. Allele origin: germline.

Ambry Genetics
Classification: Benign. Last evaluated: 2020-07-28. Review status: criteria provided, single submitter. Criteria: Ambry Variant Classification Scheme 2023. Collection method: clinical testing. Allele origin: germline.

GeneDx
Classification: Benign. Last evaluated: 2018-06-22. Review status: criteria provided, single submitter. Criteria: GeneDx Variant Classification Process June 2021. Collection method: clinical testing. Allele origin: germline. Affected: yes.

Illumina Laboratory Services, Illumina
Classification: Benign for Neuroblastoma. Last evaluated: 2018-01-13. Review status: criteria provided, single submitter. Criteria: ICSL Variant Classification Criteria 13 December 2019. Collection method: clinical testing. Allele origin: germline.
Comment: This variant was observed in the ICSL laboratory as part of a predisposition screen in an ostensibly healthy population. It had not been previously curated by ICSL or reported in the Human Gene Mutation Database (HGMD: prior to June 1st, 2018), and was therefore a candidate for classification through an automated scoring system. Utilizing variant allele frequency, disease prevalence and penetrance estimates, and inheritance mode, an automated score was calculated to assess if this variant is too frequent to cause the disease. Based on the score and internal cut-off values, a variant classified as benign is not then subjected to further curation. The score for this variant resulted in a classification of benign for this disease.

Breakthrough Genomics
Classification: Benign. Review status: criteria provided, single submitter. Criteria: ACMG Guidelines, 2015. Collection method: not provided. Allele origin: germline. Inheritance: Autosomal dominant inheritance. Affected: yes.

Molecular Genetics Laboratory, London Health Sciences Centre
Classification: Benign for Charcot-Marie-Tooth disease. Review status: criteria provided, single submitter. Criteria: ACMG Guidelines, 2015. Collection method: clinical testing. Allele origin: germline. Affected: yes.

PreventionGenetics, part of Exact Sciences
Classification: Benign for KIF1B-related condition. Last evaluated: 2019-06-28. Review status: no assertion criteria provided. Collection method: clinical testing. Allele origin: germline. Not counted in ClinVar's aggregate classification.
Comment: This variant is classified as benign based on ACMG/AMP sequence variant interpretation guidelines (Richards et al. 2015 PMID: 25741868, with internal and published modifications).

NM_001365951.3(KIF1B):c.363+6A>C

Gene: KIF1B (kinesin family member 1B; plus strand). Cytogenetic location: 1p36.22.
Variant type: single nucleotide variant.
Coding change: c.363+6A>C on transcript NM_001365951.3 (MANE Select); 6 bases into the intron after coding-DNA position 363, A replaced by C.
Molecular consequence: intron variant.
Genome position (GRCh38, 1-based): chr1:10,258,678, A>C. VCF-style: chr1-10258678-A-C. GRCh37 (hg19) VCF-style: chr1-10318736-A-C.
Other names: c.363+6A>C (NM_183416.4, NM_015074.3, NM_001365952.1 and 1 more transcripts).
Identifiers: ClinVar variation 291468 (VCV000291468.24), dbSNP rs114084418, ClinGen allele CA580668.